The following is an entry in ClinVar:

NM_000252.3(MTM1):c.905A>G (p.His302Arg)

Gene: MTM1 (myotubularin 1; plus strand). Cytogenetic location: Xq28.
Variant type: single nucleotide variant.
Coding change: c.905A>G on transcript NM_000252.3 (MANE Select); coding-DNA position 905, A replaced by G.
Protein change: p.His302Arg; replaces histidine 302 with arginine.
Molecular consequence: missense variant.
Genome position (GRCh38, 1-based): chrX:150,649,753, A>G. VCF-style: chrX-150649753-A-G. GRCh37 (hg19) VCF-style: chrX-149818226-A-G.
Other names: c.905A>G, p.His302Arg (NM_001376906.1, NM_001376908.1); c.794A>G, p.His265Arg (NM_001376907.1); short protein forms H302R, H265R.
Identifiers: ClinVar variation 1387594 (VCV001387594.6), dbSNP rs2148497756, ClinGen allele CA415256835.

ClinVar aggregate classification (germline): Uncertain significance (1 of 4 stars; one submission).

Conditions:
Severe X-linked myotubular myopathy (CNMX). Also called: MYOTUBULAR MYOPATHY 1; X-linked centronuclear myopathy; Myotubular myopathy, X-linked. Identifiers: Orphanet 596, MedGen C0410203, MONDO:0010683, OMIM 310400.

Submission:

Labcorp Genetics (formerly Invitae), Labcorp
Classification: Uncertain significance for Severe X-linked myotubular myopathy. Last evaluated: 2022-07-06. Review status: criteria provided, single submitter. Criteria: Invitae Variant Classification Sherloc (09022015). Collection method: clinical testing. Allele origin: germline.
Comment: This variant is not present in population databases (gnomAD no frequency). In summary, the available evidence is currently insufficient to determine the role of this variant in disease. Therefore, it has been classified as a Variant of Uncertain Significance. Algorithms developed to predict the effect of sequence changes on RNA splicing suggest that this variant may create or strengthen a splice site. Algorithms developed to predict the effect of missense changes on protein structure and function (SIFT, PolyPhen-2, Align-GVGD) all suggest that this variant is likely to be tolerated. ClinVar contains an entry for this variant (Variation ID: 1387594). This variant has not been reported in the literature in individuals affected with MTM1-related conditions. This sequence change replaces histidine, which is basic and polar, with arginine, which is basic and polar, at codon 302 of the MTM1 protein (p.His302Arg).